The following is an entry in ClinVar:

NM_033004.4(NLRP1):c.85G>T (p.Ala29Ser)

Genes: NLRP1 (NLR family pyrin domain containing 1; minus strand), LOC126862475 (CDK7 strongly-dependent group 2 enhancer GRCh37_chr17:5487167-5488366; plus strand). Cytogenetic location: 17p13.2.
Variant type: single nucleotide variant.
Coding change: c.85G>T on transcript NM_033004.4 (MANE Select); coding-DNA position 85, G replaced by T.
Protein change: p.Ala29Ser; replaces alanine 29 with serine.
Molecular consequence: missense variant.
Genome position (GRCh38, 1-based): chr17:5,583,873, C>A on the plus strand (G>T on the coding strand, the complement: NLRP1 is on the minus strand). VCF-style: chr17-5583873-C-A. GRCh37 (hg19) VCF-style: chr17-5487193-C-A.
Other names: c.85G>T, p.Ala29Ser (NM_001033053.3, NM_014922.5, NM_033006.4 and 1 more transcripts); short protein forms A29S.
Identifiers: ClinVar variation 4798683 (VCV004798683.1).

ClinVar aggregate classification (germline): Uncertain significance (1 of 4 stars; one submission).

gnomAD v4.1: 4 of 1,588,428 alleles (0.00025%); highest among the groups gnomAD compares: Non-Finnish European, 0.00034%; no homozygotes.

Submission:

Labcorp Genetics (formerly Invitae), Labcorp
Classification: Uncertain significance. Last evaluated: 2025-10-17. Review status: criteria provided, single submitter. Criteria: Invitae Variant Classification Sherloc (09022015). Collection method: clinical testing. Allele origin: germline.
Comment: This sequence change replaces alanine, which is neutral and non-polar, with serine, which is neutral and polar, at codon 29 of the NLRP1 protein (p.Ala29Ser). The frequency data for this variant in the population databases is considered unreliable, as metrics indicate poor data quality at this position in the gnomAD database. This variant has not been reported in the literature in individuals affected with NLRP1-related conditions. An algorithm developed to predict the effect of missense changes on protein structure and function outputs the following: PolyPhen-2: "Benign". The serine amino acid residue is found in multiple mammalian species, which suggests that this missense change does not adversely affect protein function. In summary, the available evidence is currently insufficient to determine the role of this variant in disease. Therefore, it has been classified as a Variant of Uncertain Significance.